The following is an entry in ClinVar:

NM_005591.4(MRE11):c.1507C>A (p.Arg503Ser)

Gene: MRE11 (MRE11 double strand break repair nuclease; minus strand). Cytogenetic location: 11q21.
Variant type: single nucleotide variant.
Coding change: c.1507C>A on transcript NM_005591.4 (MANE Select); coding-DNA position 1507, C replaced by A.
Protein change: p.Arg503Ser; replaces arginine 503 with serine.
Molecular consequence: missense variant.
Genome position (GRCh38, 1-based): chr11:94,456,332, G>T on the plus strand (C>A on the coding strand, the complement: MRE11 is on the minus strand). VCF-style: chr11-94456332-G-T. GRCh37 (hg19) VCF-style: chr11-94189498-G-T.
Other names: c.1507C>A, p.Arg503Ser (NM_001330347.2, NM_005590.4); short protein forms R503S.
Identifiers: ClinVar variation 1799775 (VCV001799775.2), dbSNP rs761458720, ClinGen allele CA382370861.

ClinVar aggregate classification (germline): Uncertain significance (1 of 4 stars; one submission).

Conditions:
Hereditary cancer-predisposing syndrome. Also called: Neoplastic Syndromes, Hereditary; Tumor predisposition; Hereditary Cancer Syndrome; Hereditary neoplastic syndrome. Identifiers: Orphanet 140162, MedGen C0027672, MeSH D009386, MONDO:0015356.

Submission:

Ambry Genetics
Classification: Uncertain significance for Hereditary cancer-predisposing syndrome. Last evaluated: 2022-01-16. Review status: criteria provided, single submitter. Criteria: Ambry Variant Classification Scheme 2023. Collection method: clinical testing. Allele origin: germline.
Comment: The p.R503S variant (also known as c.1507C>A), located in coding exon 13 of the MRE11A gene, results from a C to A substitution at nucleotide position 1507. The arginine at codon 503 is replaced by serine, an amino acid with dissimilar properties. This amino acid position is conserved. In addition, this alteration is predicted to be tolerated by in silico analysis. Since supporting evidence is limited at this time, the clinical significance of this alteration remains unclear.